The following is an entry in ClinVar:

ClinVar aggregate classification (germline): Likely benign. Review status: criteria provided, single submitter (1 of 4 stars). 2 submissions from 2 submitters: Likely benign (1). 1 of the submissions does not count toward it. Last evaluated 2024-12-10.

Conditions:
KIF23-related disorder. Also called: KIF23-related condition.

Allele frequency attached by ClinVar (database versions not stated): gnomAD exomes 0.00001 and 0.00003; gnomAD 0.00002 and 0.00003; TOPMed 0.00003; ExAC 0.00004.
gnomAD v4.1: 27 of 1,607,690 alleles (0.0017%); highest among the groups gnomAD compares: Admixed American, 0.0068%; no homozygotes.

Submissions (2):

Labcorp Genetics (formerly Invitae), Labcorp
Classification: Likely benign. Last evaluated: 2024-12-10. Review status: criteria provided, single submitter. Criteria: Invitae Variant Classification Sherloc (09022015). Collection method: clinical testing. Allele origin: germline.

PreventionGenetics, part of Exact Sciences
Classification: Likely benign for KIF23-related condition. Last evaluated: 2021-05-24. Review status: no assertion criteria provided. Collection method: clinical testing. Allele origin: germline. Not counted in ClinVar's aggregate classification.
Comment: This variant is classified as likely benign based on ACMG/AMP sequence variant interpretation guidelines (Richards et al. 2015 PMID: 25741868, with internal and published modifications).

NM_001367805.3(KIF23):c.1455C>T (p.Asp485=)

Gene: KIF23 (kinesin family member 23; plus strand). Cytogenetic location: 15q23.
Variant type: single nucleotide variant.
Coding change: c.1455C>T on transcript NM_001367805.3 (MANE Select); coding-DNA position 1455, C replaced by T.
Protein change: p.Asp485=; no amino-acid change (aspartic acid 485 retained).
Molecular consequence: synonymous variant. On other transcripts: non-coding transcript variant (2).
Genome position (GRCh38, 1-based): chr15:69,436,580, C>T. VCF-style: chr15-69436580-C-T. GRCh37 (hg19) VCF-style: chr15-69728919-C-T.
Other names: c.1083C>T, p.Asp361= (NM_001281301.2); c.1413C>T, p.Asp471= (NM_001367804.2, NM_004856.7, NM_138555.4); c.1413C>T (NM_138555.3).
Identifiers: ClinVar variation 1603408 (VCV001603408.10), dbSNP rs747697382, ClinGen allele CA7635199.